The following is an entry in ClinVar:

NM_015001.3(SPEN):c.6005A>G (p.Asn2002Ser)

Gene: SPEN (spen family transcriptional repressor; plus strand). Cytogenetic location: 1p36.13.
Variant type: single nucleotide variant.
Coding change: c.6005A>G on transcript NM_015001.3 (MANE Select); coding-DNA position 6005, A replaced by G.
Protein change: p.Asn2002Ser; replaces asparagine 2002 with serine.
Molecular consequence: missense variant.
Genome position (GRCh38, 1-based): chr1:15,932,245, A>G. VCF-style: chr1-15932245-A-G. GRCh37 (hg19) VCF-style: chr1-16258740-A-G.
Other names: short protein forms N2002S.
Identifiers: ClinVar variation 5020733 (VCV005020733.1).

ClinVar aggregate classification (germline): Uncertain significance (1 of 4 stars; one submission).

Submission:

Dasa
Classification: Uncertain significance. Last evaluated: 2026-08-04. Review status: criteria provided, single submitter. Criteria: DASA Assertion Criteria. Collection method: clinical testing. Allele origin: germline.
Comment: NM_015001.3(SPEN):c.6005A>G (p.Asn2002Ser) is a missense variant that results in the substitution of asparagine with serine. This variant is rare in population databases. Computational prediction algorithms are consistent with a benign effect. The currently available literature and clinical evidence are not sufficient to establish a definitive association between this variant and the reported condition. Therefore, this variant is classified as a variant of uncertain significance.